The following is an entry in ClinVar:

NM_017617.5(NOTCH1):c.956A>G (p.Tyr319Cys)

Gene: NOTCH1 (notch receptor 1; minus strand). Cytogenetic location: 9q34.3.
Variant type: single nucleotide variant.
Coding change: c.956A>G on transcript NM_017617.5 (MANE Select); coding-DNA position 956, A replaced by G.
Protein change: p.Tyr319Cys; replaces tyrosine 319 with cysteine.
Molecular consequence: missense variant.
Genome position (GRCh38, 1-based): chr9:136,518,734, T>C on the plus strand (A>G on the coding strand, the complement: NOTCH1 is on the minus strand). VCF-style: chr9-136518734-T-C. GRCh37 (hg19) VCF-style: chr9-139413186-T-C.
Other names: c.956A>G, p.Tyr319Cys (LRG_1122t1); short protein forms Y319C.
Identifiers: ClinVar variation 520043 (VCV000520043.5), dbSNP rs1554730095, ClinGen allele CA375565545.

ClinVar aggregate classification (germline): Uncertain significance (1 of 4 stars; one submission).

Conditions:
Familial thoracic aortic aneurysm and aortic dissection (TAAD). Also called: Thoracic aortic aneurysms and dissections. Identifiers: Orphanet 91387, MedGen C4707243, MONDO:0019625.

Submission:

Ambry Genetics
Classification: Uncertain significance for Familial thoracic aortic aneurysm and aortic dissection. Last evaluated: 2016-05-24. Review status: criteria provided, single submitter. Criteria: Ambry Variant Classification Scheme 2023. Collection method: clinical testing. Allele origin: germline.
Comment: The p.Y319C variant (also known as c.956A>G), located in coding exon 6 of the NOTCH1 gene, results from an A to G substitution at nucleotide position 956. The tyrosine at codon 319 is replaced by cysteine, an amino acid with highly dissimilar properties. This variant was not reported in population based cohorts in the following databases: Database of Single Nucleotide Polymorphisms (dbSNP), NHLBI Exome Sequencing Project (ESP), and 1000 Genomes Project. In the ESP, this variant was not observed in 6496 samples (12992 alleles) with coverage at this position. This amino acid position is well conserved in available vertebrate species. In addition, this alteration is predicted to be deleterious by in silico analysis. Since supporting evidence is limited at this time, the clinical significance of this variant remains unclear.